The following is an entry in ClinVar:

NM_001378454.1(ALMS1):c.608A>C (p.Lys203Thr)

Gene: ALMS1 (ALMS1 centrosome and basal body associated protein; plus strand). Cytogenetic location: 2p13.1.
Variant type: single nucleotide variant.
Coding change: c.608A>C on transcript NM_001378454.1 (MANE Select); coding-DNA position 608, A replaced by C.
Protein change: p.Lys203Thr; replaces lysine 203 with threonine.
Molecular consequence: missense variant.
Genome position (GRCh38, 1-based): chr2:73,419,280, A>C. VCF-style: chr2-73419280-A-C. GRCh37 (hg19) VCF-style: chr2-73646408-A-C.
Other names: c.611A>C, p.Lys204Thr (NM_015120.4); short protein forms K203T, K204T.
Identifiers: ClinVar variation 2631339 (VCV002631339.1), dbSNP rs1266218812, ClinGen allele CA347259305.

ClinVar aggregate classification (germline): Uncertain significance (1 of 4 stars; one submission).

Conditions:
ALMS1-related disorder. Also called: ALMS1-related condition.

Submission:

PreventionGenetics, part of Exact Sciences
Classification: Uncertain significance for ALMS1-related condition. Last evaluated: 2022-08-24. Review status: criteria provided, single submitter. Criteria: ACMG Guidelines, 2015. Collection method: clinical testing. Allele origin: germline.
Comment: The ALMS1 c.611A>C variant is predicted to result in the amino acid substitution p.Glu204Ala. To our knowledge, this variant has not been reported in the literature. This variant is reported in 0.13% of alleles in individuals of African descent in gnomAD. In ClinVar, this variant is interpreted as likely benign/uncertain. Although we suspect that this variant may be benign, at this time, the clinical significance of this variant is uncertain due to the absence of conclusive functional and genetic evidence.